The following is an entry in ClinVar:

NM_006059.4(LAMC3):c.3764C>T (p.Ser1255Phe)

Gene: LAMC3 (laminin subunit gamma 3; plus strand). Cytogenetic location: 9q34.12.
Variant type: single nucleotide variant.
Coding change: c.3764C>T on transcript NM_006059.4 (MANE Select); coding-DNA position 3764, C replaced by T.
Protein change: p.Ser1255Phe; replaces serine 1255 with phenylalanine.
Molecular consequence: missense variant.
Genome position (GRCh38, 1-based): chr9:131,077,321, C>T. VCF-style: chr9-131077321-C-T. GRCh37 (hg19) VCF-style: chr9-133952708-C-T.
Other names: short protein forms S1255F.
Identifiers: ClinVar variation 2572921 (VCV002572921.1), dbSNP rs1830147629, ClinGen allele CA375261659.

ClinVar aggregate classification (germline): Uncertain significance (1 of 4 stars; one submission).

Allele frequency attached by ClinVar (database versions not stated): gnomAD exomes below 0.00001; TOPMed below 0.00001; gnomAD 0.00001.
gnomAD v4.1: 2 of 1,613,662 alleles (0.00012%); highest among the groups gnomAD compares: Non-Finnish European, 0.00017%; no homozygotes.

Submission:

GeneDx
Classification: Uncertain significance. Last evaluated: 2023-01-17. Review status: criteria provided, single submitter. Criteria: GeneDx Variant Classification Process June 2021. Collection method: clinical testing. Allele origin: germline. Affected: yes.
Comment: Not observed at significant frequency in large population cohorts (gnomAD); In silico analysis supports that this missense variant does not alter protein structure/function; Has not been previously published as pathogenic or benign to our knowledge